The following is an entry in ClinVar:

NM_152618.3(BBS12):c.1907T>C (p.Ile636Thr)

Gene: BBS12 (Bardet-Biedl syndrome 12; plus strand). Cytogenetic location: 4q27.
Variant type: single nucleotide variant.
Coding change: c.1907T>C on transcript NM_152618.3 (MANE Select); coding-DNA position 1907, T replaced by C.
Protein change: p.Ile636Thr; replaces isoleucine 636 with threonine.
Molecular consequence: missense variant.
Genome position (GRCh38, 1-based): chr4:122,743,799, T>C. VCF-style: chr4-122743799-T-C. GRCh37 (hg19) VCF-style: chr4-123664954-T-C.
Other names: c.1907T>C, p.Ile636Thr (NM_001178007.2); c.1907T>C (NM_152618.2); short protein forms I636T.
Identifiers: ClinVar variation 990257 (VCV000990257.6), dbSNP rs748009027, ClinGen allele CA3069532.

ClinVar aggregate classification (germline): Uncertain significance. Review status: criteria provided, multiple submitters, no conflicts (2 of 4 stars). 4 submissions from 4 submitters: Uncertain significance (3). 1 of the submissions does not count toward it. Last evaluated 2026-04-01.

Conditions:
Bardet-Biedl syndrome 12 (BBS12). Identifiers: Orphanet 110, MedGen C1859570, MONDO:0014440, OMIM 615989.
BBS12-related disorder. Also called: BBS12-related condition.

Allele frequency attached by ClinVar (database versions not stated): gnomAD exomes below 0.00001; ExAC 0.00001; gnomAD 0.00001; TOPMed 0.00003.
gnomAD v4.1: 5 of 1,613,514 alleles (0.00031%); highest among the groups gnomAD compares: African/African-American, 0.0067%; no homozygotes.

Submissions (4):

PreventionGenetics, part of Exact Sciences
Classification: Uncertain significance for BBS12-related condition. Last evaluated: 2026-04-01. Review status: criteria provided, single submitter. Criteria: ACMG Guidelines, 2015. Collection method: clinical testing. Allele origin: germline.
Comment: The BBS12 c.1907T>C variant is predicted to result in the amino acid substitution p.Ile636Thr. To our knowledge, this variant has not been reported in the literature. This variant is reported in 0.0080% of alleles in individuals of African descent in gnomAD. At this time, the clinical significance of this variant is uncertain due to the absence of conclusive functional and genetic evidence.

Fulgent Genetics
Classification: Uncertain significance for Bardet-Biedl syndrome 12. Last evaluated: 2024-01-22. Review status: criteria provided, single submitter. Criteria: ACMG Guidelines, 2015. Collection method: clinical testing. Allele origin: germline.

GeneDx
Classification: Uncertain significance. Last evaluated: 2024-01-21. Review status: criteria provided, single submitter. Criteria: GeneDx Variant Classification Process June 2021. Collection method: clinical testing. Allele origin: germline. Affected: yes.
Comment: In silico analysis supports that this missense variant does not alter protein structure/function; Has not been previously published as pathogenic or benign to our knowledge

Natera, Inc.
Classification: Uncertain significance for Bardet-Biedl syndrome type 12. Last evaluated: 2020-08-15. Review status: no assertion criteria provided. Collection method: clinical testing. Allele origin: germline. Not counted in ClinVar's aggregate classification.